The following is an entry in ClinVar:

ClinVar aggregate classification (germline): Benign. Review status: reviewed by expert panel (3 of 4 stars). 16 submissions from 16 submitters: Benign (1). 15 of the submissions do not count toward it. Last evaluated 2018-08-10.

Conditions:
Phenylketonuria (PKU). Also called: Phenylketonuria (PKU); Phenylketonurias; FOLLING DISEASE; OLIGOPHRENIA PHENYLPYRUVICA. Identifiers: Orphanet 716, MedGen C0031485, MONDO:0009861, OMIM 261600. Disease mechanism: loss of function.

Allele frequency attached by ClinVar (database versions not stated): gnomAD exomes 0.17038 and 0.20171; ExAC 0.19427; ESP Exome Variant Server 0.20690; gnomAD 0.21049 and 0.21168; 1000 Genomes Project 0.21685; 1000 Genomes Project 30x 0.22595; TOPMed 0.23000.
gnomAD v4.1: 263,465 of 1,509,498 alleles (17%); highest among the groups gnomAD compares: Admixed American, 41%; 26,599 homozygotes.

Submissions (16):

ClinGen PAH Variant Curation Expert Panel
Classification: Benign for Phenylketonuria. Last evaluated: 2018-08-10. Review status: reviewed by expert panel. Criteria: ClinGen PAH ACMG Specifications v1. Collection method: curation. Allele origin: germline. Inheritance: Autosomal recessive inheritance.
Comment: PAH-specific ACMG/AMP criteria applied: BA1: MAF=0.44942 in ExAC; BP2: Observed in cis (in the homozygous state) with IVS2+5G>C (P) (PMID:24048906). In summary this variant meets criteria to be classified as benign for phenylketonuria in an autosomal recessive manner based on the ACMG/AMP criteria applied as specified by the PAH Expert Panel: (BA1, BP2).

CeGaT Center for Human Genetics Tuebingen
Classification: Likely benign. Last evaluated: 2026-07-01. Review status: criteria provided, single submitter. Criteria: CeGaT Center For Human Genetics Tuebingen Variant Classification Criteria Version 2. Collection method: clinical testing. Allele origin: germline. Affected: yes. Observed: 1 variant allele. Not counted in ClinVar's aggregate classification.
Comment: PAH: PM2:Supporting, PM3:Supporting, PP4, BS2

Labcorp Genetics (formerly Invitae), Labcorp
Classification: Benign for Phenylketonuria. Last evaluated: 2026-02-04. Review status: criteria provided, single submitter. Criteria: Invitae Variant Classification Sherloc (09022015). Collection method: clinical testing. Allele origin: germline. Not counted in ClinVar's aggregate classification.

Blueprint Genetics
Classification: Likely benign. Last evaluated: 2024-11-27. Review status: criteria provided, single submitter. Criteria: ACMG Guidelines, 2015. Collection method: clinical testing. Allele origin: germline. Not counted in ClinVar's aggregate classification.

Mayo Clinic Laboratories, Mayo Clinic
Classification: Benign. Last evaluated: 2024-06-20. Review status: criteria provided, single submitter. Criteria: ACMG Guidelines, 2015. Collection method: clinical testing. Allele origin: germline. Observed: 17 variant alleles. Not counted in ClinVar's aggregate classification.
Comment: BA1, BP4, BP7

Fulgent Genetics
Classification: Benign for Phenylketonuria. Last evaluated: 2021-07-19. Review status: criteria provided, single submitter. Criteria: ACMG Guidelines, 2015. Collection method: clinical testing. Allele origin: unknown. Not counted in ClinVar's aggregate classification.

Pars Genome Lab
Classification: Benign for Phenylketonuria. Last evaluated: 2021-07-01. Review status: criteria provided, single submitter. Criteria: ACMG Guidelines, 2015. Collection method: clinical testing. Allele origin: germline. Affected: no. Not counted in ClinVar's aggregate classification.

Eurofins Ntd Llc (ga)
Classification: Benign. Last evaluated: 2017-05-16. Review status: criteria provided, single submitter. Criteria: EGL Classification Definitions 2015. Collection method: clinical testing. Allele origin: germline. Observed: 92 variant alleles, 84 heterozygotes, 8 homozygotes. Not counted in ClinVar's aggregate classification.

GeneDx
Classification: Benign. Last evaluated: 2015-03-03. Review status: criteria provided, single submitter. Criteria: GeneDx Variant Classification Process June 2021. Collection method: clinical testing. Allele origin: germline. Affected: yes. Not counted in ClinVar's aggregate classification.
Comment: This variant is associated with the following publications: (PMID: 23690520, 27884173, 32668217)

Genome Diagnostics Laboratory, University Medical Center Utrecht
Classification: Benign for Phenylketonuria. Last evaluated: 2014-10-09. Review status: criteria provided, single submitter. Criteria: ACGS Guidelines, 2013. Collection method: clinical testing. Allele origin: germline. Affected: yes. Study: VKGL Data-share Consensus. Not counted in ClinVar's aggregate classification.

Breakthrough Genomics
Classification: Benign. Review status: criteria provided, single submitter. Criteria: ACMG Guidelines, 2015. Collection method: not provided. Allele origin: germline. Inheritance: Autosomal recessive inheritance. Affected: yes. Not counted in ClinVar's aggregate classification.

PreventionGenetics, part of Exact Sciences
Classification: Benign. Review status: criteria provided, single submitter. Criteria: ACMG Guidelines, 2015. Collection method: clinical testing. Allele origin: germline. Not counted in ClinVar's aggregate classification.

Natera, Inc.
Classification: Benign for Phenylketonuria. Last evaluated: 2019-10-30. Review status: no assertion criteria provided. Collection method: clinical testing. Allele origin: germline. Not counted in ClinVar's aggregate classification.

DeBelle Laboratory for Biochemical Genetics, MUHC/MCH RESEARCH INSTITUTE
No classification provided. Review status: no classification provided. Collection method: not provided. Allele origin: not provided. Not counted in ClinVar's aggregate classification.

Diagnostic Laboratory, Department of Genetics, University Medical Center Groningen
Classification: Benign for Phenylketonuria. Review status: no assertion criteria provided. Collection method: clinical testing. Allele origin: germline. Affected: yes. Study: VKGL Data-share Consensus. Not counted in ClinVar's aggregate classification.

Joint Genome Diagnostic Labs from Nijmegen and Maastricht, Radboudumc and MUMC+
Classification: Benign. Review status: no assertion criteria provided. Collection method: clinical testing. Allele origin: germline. Affected: yes. Study: VKGL Data-share Consensus. Not counted in ClinVar's aggregate classification.

Literature cited by the submitters: PubMed 24048906 (cited by ClinGen PAH Variant Curation Expert Panel).

NM_000277.3(PAH):c.168+19T>C

Gene: PAH (phenylalanine hydroxylase; minus strand). Cytogenetic location: 12q23.2.
Variant type: single nucleotide variant.
Coding change: c.168+19T>C on transcript NM_000277.3 (MANE Select); 19 bases into the intron after coding-DNA position 168, T replaced by C.
Molecular consequence: intron variant.
Genome position (GRCh38, 1-based): chr12:102,912,772, A>G on the plus strand (T>C on the coding strand, the complement: PAH is on the minus strand). VCF-style: chr12-102912772-A-G. GRCh37 (hg19) VCF-style: chr12-103306550-A-G.
Other names: NM_000277.2(PAH):c.168+19T>C; p.?; c.168+19T>C (NM_001354304.2).
Identifiers: ClinVar variation 92736 (VCV000092736.27), dbSNP rs17842947, ClinGen allele CA145980.